The following is an entry in ClinVar:

NM_001290060.2(SEMA3B):c.458TCC[3] (p.Leu154_Arg155insLeu)

Gene: SEMA3B (semaphorin 3B; plus strand). Cytogenetic location: 3p21.31.
Variant type: Microsatellite.
Coding change: c.458TCC[3] on transcript NM_001290060.2 (MANE Select); three copies in a row of the 3-base unit TCC starting at c.458; the reference has two copies in a row; one copy, 3 bases duplicated.
Protein change: p.Leu154_Arg155insLeu.
Molecular consequence: inframe insertion.
Genome position (GRCh38, 1-based): chr3:50,271,098-50,271,100, TCC duplicated; duplicating any 3 consecutive bases within chr3:50,271,095-50,271,100 gives the same sequence; the position shown is the placement nearest the transcript's 3' end. VCF-style (leftmost placement, unchanged base first): chr3-50271094-G-GTCC. GRCh37 (hg19) VCF-style: chr3-50308525-G-GTCC.
Other names: c.461_463dupTCC (NM_001290061.1); c.458TCC[3], p.Leu154_Arg155insLeu (NM_001005914.3, NM_001290061.1, NM_001435956.1 and 3 more transcripts).
Identifiers: ClinVar variation 4985585 (VCV004985585.1).

ClinVar aggregate classification (germline): Uncertain significance (1 of 4 stars; one submission).

Conditions:
SEMA3B-related disorder. Also called: SEMA3B-related condition.

Submission:

PreventionGenetics, part of Exact Sciences
Classification: Uncertain significance for SEMA3B-related condition. Last evaluated: 2026-08-04. Review status: criteria provided, single submitter. Criteria: ACMG Guidelines, 2015. Collection method: clinical testing. Allele origin: germline.
Comment: The SEMA3B c.461_463dupTCC variant is predicted to result in an in-frame duplication (p.Leu154dup). To our knowledge, this variant has not been reported in the literature. This variant is reported in 0.0036% of alleles in individuals of Latino descent in gnomAD. At this time, the clinical significance of this variant is uncertain due to the absence of conclusive functional and genetic evidence.